The following is an entry in ClinVar:

NM_000718.4(CACNA1B):c.3200T>C (p.Met1067Thr)

Gene: CACNA1B (calcium voltage-gated channel subunit alpha1 B; plus strand). Cytogenetic location: 9q34.3.
Variant type: single nucleotide variant.
Coding change: c.3200T>C on transcript NM_000718.4 (MANE Select); coding-DNA position 3200, T replaced by C.
Protein change: p.Met1067Thr; replaces methionine 1067 with threonine.
Molecular consequence: missense variant.
Genome position (GRCh38, 1-based): chr9:138,025,086, T>C. VCF-style: chr9-138025086-T-C. GRCh37 (hg19) VCF-style: chr9-140919538-T-C.
Other names: c.3200T>C, p.Met1067Thr (NM_001243812.2); short protein forms M1067T.
Identifiers: ClinVar variation 1991176 (VCV001991176.2), dbSNP rs768180760, ClinGen allele CA5376553.

ClinVar aggregate classification (germline): Uncertain significance (1 of 4 stars; one submission).

Allele frequency attached by ClinVar (database versions not stated): TOPMed below 0.00001; ExAC 0.00001; gnomAD 0.00001; gnomAD exomes 0.00001.

Submission:

Labcorp Genetics (formerly Invitae), Labcorp
Classification: Uncertain significance. Last evaluated: 2025-10-21. Review status: criteria provided, single submitter. Criteria: Invitae Variant Classification Sherloc (09022015). Collection method: clinical testing. Allele origin: germline.
Comment: This sequence change replaces methionine, which is neutral and non-polar, with threonine, which is neutral and polar, at codon 1067 of the CACNA1B protein (p.Met1067Thr). This variant is present in population databases (rs768180760, gnomAD 0.01%). This variant has not been reported in the literature in individuals affected with CACNA1B-related conditions. ClinVar contains an entry for this variant (Variation ID: 1991176). Invitae Evidence Modeling of protein sequence and biophysical properties (such as structural, functional, and spatial information, amino acid conservation, physicochemical variation, residue mobility, and thermodynamic stability) indicates that this missense variant is not expected to disrupt CACNA1B protein function with a negative predictive value of 80%. In summary, the available evidence is currently insufficient to determine the role of this variant in disease. Therefore, it has been classified as a Variant of Uncertain Significance.